The following is an entry in ClinVar:

ClinVar aggregate classification (germline): Uncertain significance. Review status: criteria provided, multiple submitters, no conflicts (2 of 4 stars). 2 submissions from 2 submitters: Uncertain significance (2). Last evaluated 2021-05-09.

Conditions:
Perlman syndrome (PRLMNS). Identifiers: Orphanet 2849, MedGen C0796113, MONDO:0009965, OMIM 267000.

Submissions (2):

Labcorp Genetics (formerly Invitae), Labcorp
Classification: Uncertain significance for Perlman syndrome. Last evaluated: 2021-05-09. Review status: criteria provided, single submitter. Criteria: Invitae Variant Classification Sherloc (09022015). Collection method: clinical testing. Allele origin: germline.
Comment: This variant has not been reported in the literature in individuals with DIS3L2-related conditions. Algorithms developed to predict the effect of missense changes on protein structure and function are either unavailable or do not agree on the potential impact of this missense change (SIFT: "Tolerated"; PolyPhen-2: "Possibly Damaging"; Align-GVGD: "Class C0"). In summary, the available evidence is currently insufficient to determine the role of this variant in disease. Therefore, it has been classified as a Variant of Uncertain Significance. This sequence change replaces valine with leucine at codon 660 of the DIS3L2 protein (p.Val660Leu). The valine residue is highly conserved and there is a small physicochemical difference between valine and leucine. This variant is not present in population databases (ExAC no frequency).

Breakthrough Genomics
Classification: Uncertain significance. Review status: criteria provided, single submitter. Criteria: ACMG Guidelines, 2015. Collection method: not provided. Allele origin: germline. Inheritance: Autosomal recessive inheritance. Affected: yes.

NM_152383.5(DIS3L2):c.1978G>T (p.Val660Leu)

Gene: DIS3L2 (DIS3 like 3'-5' exoribonuclease 2; plus strand). Cytogenetic location: 2q37.1.
Variant type: single nucleotide variant.
Coding change: c.1978G>T on transcript NM_152383.5 (MANE Select); coding-DNA position 1978, G replaced by T.
Protein change: p.Val660Leu; replaces valine 660 with leucine.
Molecular consequence: missense variant. On other transcripts: non-coding transcript variant (2), intron variant (1).
Genome position (GRCh38, 1-based): chr2:232,330,744, G>T. VCF-style: chr2-232330744-G-T. GRCh37 (hg19) VCF-style: chr2-233195454-G-T.
Other names: c.1582-12601G>T (NM_001257281.2); short protein forms V660L.
Identifiers: ClinVar variation 834630 (VCV000834630.10), dbSNP rs1575024070, ClinGen allele CA350976675.